The following is an entry in ClinVar:

ClinVar aggregate classification (germline): Likely benign (1 of 4 stars; one submission).

Allele frequency attached by ClinVar (database versions not stated): gnomAD 0.00001.
gnomAD v4.1: 3 of 1,526,912 alleles (0.0002%); highest among the groups gnomAD compares: African/African-American, 0.0043%; no homozygotes.

Submission:

CeGaT Center for Human Genetics Tuebingen
Classification: Likely benign. Last evaluated: 2022-03-01. Review status: criteria provided, single submitter. Criteria: CeGaT Center For Human Genetics Tuebingen Variant Classification Criteria Version 2. Collection method: clinical testing. Allele origin: germline. Affected: yes. Observed: 1 variant allele.
Comment: HACE1: BP4, BP7

NM_020771.4(HACE1):c.60C>T (p.Thr20=)

Genes: HACE1 (HECT domain and ankyrin repeat containing E3 ubiquitin protein ligase 1; minus strand), LOC113121301 (Sharpr-MPRA regulatory region 9880; plus strand). Cytogenetic location: 6q16.3.
Variant type: single nucleotide variant.
Coding change: c.60C>T on transcript NM_020771.4 (MANE Select); coding-DNA position 60, C replaced by T.
Protein change: p.Thr20=; no amino-acid change (threonine 20 retained).
Molecular consequence: synonymous variant. On other transcripts: 5 prime UTR variant (6), non-coding transcript variant (7).
Genome position (GRCh38, 1-based): chr6:104,859,583, G>A on the plus strand (C>T on the coding strand, the complement: HACE1 is on the minus strand). VCF-style: chr6-104859583-G-A. GRCh37 (hg19) VCF-style: chr6-105307458-G-A.
Other names: c.60C>T, p.Thr20= (NM_001321080.2, NM_001350555.2); c.-101C>T (NM_001350554.2); c.-351C>T (NM_001350556.2); c.-286C>T (NM_001350557.2); c.-362C>T (NM_001350558.2); c.-308C>T (NM_001350559.2); c.-516C>T (NM_001350560.2).
Identifiers: ClinVar variation 2656802 (VCV002656802.24), dbSNP rs1005032279, ClinGen allele CA144928801.
Genomic context (GRCh38, chr6:104,859,583, plus strand): 5'-CGCCCCCAGCCCCGCGGCCAGCCTGGCCCCGCGACCCGGCTCACCCTCGGGCAACTCCAC[G>A]GTGCGCGCGCGGCGCAGCGAGCGCGTCAGGCGGTTGAGTTGCTCCATCGCTCTCTCCATC-3'
Protein context (NP_065822.2, residues 10-30): RLTRSLRRAR[Thr20=]VELPEDNETA